The following is an entry in ClinVar:

NM_000152.5(GAA):c.1930G>T (p.Ala644Ser)

Gene: GAA (alpha glucosidase; plus strand). Cytogenetic location: 17q25.3.
Variant type: single nucleotide variant.
Coding change: c.1930G>T on transcript NM_000152.5 (MANE Select); coding-DNA position 1930, G replaced by T.
Protein change: p.Ala644Ser; replaces alanine 644 with serine.
Molecular consequence: missense variant.
Genome position (GRCh38, 1-based): chr17:80,112,917, G>T. VCF-style: chr17-80112917-G-T. GRCh37 (hg19) VCF-style: chr17-78086716-G-T.
Other names: c.1930G>T, p.Ala644Ser (NM_001079803.3, NM_001079804.3); short protein forms A644S.
Identifiers: ClinVar variation 852396 (VCV000852396.10), dbSNP rs752735168, ClinGen allele CA8815549.

ClinVar aggregate classification (germline): Conflicting classifications of pathogenicity. Review status: criteria provided, conflicting classifications (1 of 4 stars). 5 submissions from 5 submitters: Likely pathogenic (1); Uncertain significance (2). 2 of the submissions do not count toward it. Last evaluated 2026-07-01.

Conditions:
Glycogen storage disease, type II (IOPD). Also called: Glycogen storage disease type 2; Acid maltase deficiency disease; Aglucosidase alfa; Deficiency of alpha-glucosidase; Deficiency of lysosomal alpha-glucosidase; POMPE DISEASE, INFANTILE-ONSET. Identifiers: Orphanet 365, MedGen C0017921, MONDO:0009290, OMIM 232300.

Allele frequency attached by ClinVar (database versions not stated): gnomAD exomes 0.00003; ExAC 0.00005.
gnomAD v4.1: 27 of 1,610,512 alleles (0.0017%); highest among the groups gnomAD compares: South Asian, 0.028%; no homozygotes.

Submissions (5):

Genomenon, Inc
Classification: Uncertain significance for Glycogen storage disease, type II. Last evaluated: 2026-07-01. Review status: criteria provided, single submitter. Criteria: Genomenon Sequence Variant Interpretation Standards - Updated. Collection method: curation. Allele origin: germline.
Comment: GAA p.Ala644Ser (c.1930G>T) is a missense variant that changes the amino acid at codon 644 from Alanine to Serine. This variant has been reported in the compound heterozygous and/or homozygous state in at least one individual without a confirmed diagnosis of Pompe disease (PMID:37091798). It is absent or not present at a significant frequency in gnomAD. In silico models predict that this variant is possibly or probably damaging. In conclusion, we classify GAA p.Ala644Ser (c.1930G>T) as a variant of uncertain significance.

Fulgent Genetics
Classification: Likely pathogenic for Glycogen storage disease, type II. Last evaluated: 2024-03-01. Review status: criteria provided, single submitter. Criteria: ACMG Guidelines, 2015. Collection method: clinical testing. Allele origin: germline.

Labcorp Genetics (formerly Invitae), Labcorp
Classification: Uncertain significance for Glycogen storage disease, type II. Last evaluated: 2022-07-18. Review status: criteria provided, single submitter. Criteria: Invitae Variant Classification Sherloc (09022015). Collection method: clinical testing. Allele origin: germline.
Comment: This sequence change replaces alanine, which is neutral and non-polar, with serine, which is neutral and polar, at codon 644 of the GAA protein (p.Ala644Ser). This variant is present in population databases (rs752735168, gnomAD 0.03%). This variant has not been reported in the literature in individuals affected with GAA-related conditions. ClinVar contains an entry for this variant (Variation ID: 852396). Advanced modeling of protein sequence and biophysical properties (such as structural, functional, and spatial information, amino acid conservation, physicochemical variation, residue mobility, and thermodynamic stability) performed at Invitae indicates that this missense variant is expected to disrupt GAA protein function. Algorithms developed to predict the effect of sequence changes on RNA splicing suggest that this variant may create or strengthen a splice site. In summary, the available evidence is currently insufficient to determine the role of this variant in disease. Therefore, it has been classified as a Variant of Uncertain Significance.

Natera, Inc.
Classification: Uncertain significance for Glycogen storage disease type II. Last evaluated: 2021-03-16. Review status: no assertion criteria provided. Collection method: clinical testing. Allele origin: germline. Not counted in ClinVar's aggregate classification.

Molecular Biology Laboratory, Department of Zoology, Quaid-i-azam University
Classification: Pathogenic for Glycogen storage disease, type II. Review status: no assertion criteria provided. Collection method: research. Allele origin: inherited. Affected: yes. Not counted in ClinVar's aggregate classification.

Literature cited by the submitters: PubMed 37091798 (cited by Genomenon, Inc).